The following is an entry in ClinVar:

ClinVar aggregate classification (germline): Benign/Likely benign. Review status: criteria provided, multiple submitters, no conflicts (2 of 4 stars). 14 submissions from 14 submitters: Benign (5); Likely benign (3). 6 of the submissions do not count toward it. Last evaluated 2026-01-27.

Conditions:
ATRX-related disorder. Also called: ATRX-related condition.
Inborn genetic diseases. Identifiers: MedGen C0950123, MeSH D030342.
Alpha thalassemia-X-linked intellectual disability syndrome (ATRX). Also called: ALPHA-THALASSEMIA/MENTAL RETARDATION SYNDROME, X-LINKED; ATR-X syndrome; Alpha thalassemia mental retardation syndrome, nondeletion type, X-linked; XLMR hypotonic face syndrome; ATR, NONDELETION TYPE; X-linked alpha-thalassemia-mental retardation syndrome. Identifiers: Orphanet 847, MedGen C1845055, MONDO:0010519, OMIM 301040.
Intellectual disability. Also called: intellectual disabilities; Intellectual functioning disability; Intellectual developmental disorder. Identifiers: MedGen C3714756, MeSH D008607, MONDO:0001071, HP:0001249.

Submissions (14):

Labcorp Genetics (formerly Invitae), Labcorp
Classification: Likely benign for Alpha thalassemia-X-linked intellectual disability syndrome. Last evaluated: 2026-01-27. Review status: criteria provided, single submitter. Criteria: Invitae Variant Classification Sherloc (09022015). Collection method: clinical testing. Allele origin: germline.

ARUP Laboratories, Molecular Genetics and Genomics, ARUP Laboratories
Classification: Likely benign. Last evaluated: 2025-02-06. Review status: criteria provided, single submitter. Criteria: ARUP Molecular Germline Variant Investigation Process 2024. Collection method: clinical testing. Allele origin: germline.

Blueprint Genetics
Classification: Likely benign. Last evaluated: 2024-11-14. Review status: criteria provided, single submitter. Criteria: ACMG Guidelines, 2015. Collection method: clinical testing. Allele origin: germline.

Athena Diagnostics
Classification: Benign. Last evaluated: 2024-10-15. Review status: criteria provided, single submitter. Criteria: Athena Diagnostics Criteria. Collection method: clinical testing. Allele origin: unknown.

GeneDx
Classification: Benign. Last evaluated: 2019-03-26. Review status: criteria provided, single submitter. Criteria: GeneDx Variant Classification Process June 2021. Collection method: clinical testing. Allele origin: germline. Affected: yes.

Ambry Genetics
Classification: Benign for Inborn genetic diseases. Last evaluated: 2017-08-02. Review status: criteria provided, single submitter. Criteria: Ambry Variant Classification Scheme 2023. Collection method: clinical testing. Allele origin: germline.

Genetic Services Laboratory, University of Chicago
Classification: Benign. Last evaluated: 2016-03-22. Review status: criteria provided, single submitter. Criteria: ACMG Guidelines, 2015. Collection method: clinical testing. Allele origin: germline. Affected: no.

Eurofins Ntd Llc (ga)
Classification: Benign. Last evaluated: 2013-12-13. Review status: criteria provided, single submitter. Criteria: EGL Classification Definitions 2015. Collection method: clinical testing. Allele origin: germline. Observed: 3 variant alleles, 1 heterozygote, 2 hemizygotes.

PreventionGenetics, part of Exact Sciences
Classification: Likely benign for ATRX-related condition. Last evaluated: 2019-06-28. Review status: no assertion criteria provided. Collection method: clinical testing. Allele origin: germline. Not counted in ClinVar's aggregate classification.
Comment: This variant is classified as likely benign based on ACMG/AMP sequence variant interpretation guidelines (Richards et al. 2015 PMID: 25741868, with internal and published modifications).

Centre de Biologie Pathologie Génétique, Centre Hospitalier Universitaire de Lille
Classification: Uncertain significance for Intellectual disability. Last evaluated: 2019-01-01. Review status: no assertion criteria provided. Collection method: clinical testing. Allele origin: unknown. Affected: yes. Not counted in ClinVar's aggregate classification.

Clinical Genetics DNA and cytogenetics Diagnostics Lab, Erasmus MC, Erasmus Medical Center
Classification: Benign. Review status: no assertion criteria provided. Collection method: clinical testing. Allele origin: germline. Affected: yes. Study: VKGL Data-share Consensus. Not counted in ClinVar's aggregate classification.

Department of Pathology and Laboratory Medicine, Sinai Health System
Classification: Likely benign. Review status: no assertion criteria provided. Collection method: clinical testing. Allele origin: unknown. Affected: yes. Study: The Canadian Open Genetics Repository (COGR). Not counted in ClinVar's aggregate classification.
Comment: The ATRX p.Glu1426del variant was not identified in the literature. The variant was identified in dbSNP (ID: rs398123423) and ClinVar (classified as likely benign by GeneDx and Invitae; classified as benign by Genetic Services Laboratory University of Chicago, EGL Genetic Diagnostics and Ambry Genetics). The variant was identified in control databases in 300 of 200007 chromosomes at a frequency of 0.0015 increasing the likelihood this could be a low frequency benign variant (Genome Aggregation Database March 6, 2019, v2.1.1). The variant was observed in the following populations: European (Finnish) in 50 of 16081 chromosomes (freq: 0.003109), European (non-Finnish) in 217 of 91347 chromosomes (freq: 0.002376), Ashkenazi Jewish in 12 of 7581 chromosomes (freq: 0.001583), Other in 5 of 5218 chromosomes (freq: 0.000958), Latino in 9 of 27673 chromosomes (freq: 0.000325), African in 4 of 18738 chromosomes (freq: 0.000214), East Asian in 2 of 14663 chromosomes (freq: 0.000136), and South Asian in 1 of 18706 chromosomes (freq: 0.000053). This variant is an in-frame deletion resulting in the removal of a glutamic acid (glu) residue at codon 1426; the impact of this alteration on ATRX protein function is not known. The variant occurs outside of the splicing consensus sequence and in silico or computational prediction software programs (SpliceSiteFinder, MaxEntScan, NNSPLICE, GeneSplicer) do not predict a difference in splicing. In summary, based on the above information the clinical significance of this variant cannot be determined with certainty at this time although we would lean towards a more benign role for this variant. This variant is classified as likely benign.

Diagnostic Laboratory, Department of Genetics, University Medical Center Groningen
Classification: Likely benign. Review status: no assertion criteria provided. Collection method: clinical testing. Allele origin: germline. Affected: yes. Study: VKGL Data-share Consensus. Not counted in ClinVar's aggregate classification.

Laboratory of Diagnostic Genome Analysis, Leiden University Medical Center (LUMC)
Classification: Likely benign. Review status: no assertion criteria provided. Collection method: clinical testing. Allele origin: germline. Affected: yes. Study: VKGL Data-share Consensus. Not counted in ClinVar's aggregate classification.

Literature cited by the submitters: PubMed 39217365 (cited by Athena Diagnostics); PubMed 35483882 (cited by Athena Diagnostics).

NM_000489.6(ATRX):c.4365GGA[4] (p.Glu1464del)

Gene: ATRX (ATRX chromatin remodeler; minus strand). Cytogenetic location: Xq21.1.
Variant type: Microsatellite.
Coding change: c.4365GGA[4] on transcript NM_000489.6 (MANE Select); four copies in a row of the 3-base unit GGA starting at c.4365; the reference has five copies in a row; one copy, 3 bases deleted.
Protein change: p.Glu1464del; deletes glutamic acid 1464.
Molecular consequence: inframe deletion.
Genome position (GRCh38, 1-based): chrX:77,652,292-77,652,294, TCC deleted on the plus strand (GGA on the coding strand, the reverse complement: ATRX is on the minus strand); deleting any 3 consecutive bases within chrX:77,652,292-77,652,308 gives the same sequence; the position shown is the placement nearest the transcript's 3' end. VCF-style (leftmost placement, unchanged base first): chrX-77652291-TTCC-T. GRCh37 (hg19) VCF-style: chrX-76907781-TTCC-T.
Other names: c.4377_4379delGGA (NM_000489.4, NM_000489.3); c.4251GGA[4], p.Glu1426del (NM_138270.5); short protein forms E1464del, E1426del.
Identifiers: ClinVar variation 93137 (VCV000093137.38), dbSNP rs398123423, ClinGen allele CA175123.